The following is an entry in ClinVar:

ClinVar aggregate classification (germline): Uncertain significance (1 of 4 stars; one submission).

Conditions:
MEGF8-related Carpenter syndrome. Also called: Carpenter syndrome 2. Identifiers: Orphanet 65759, MedGen C3554247, MONDO:0013998, OMIM 614976.

Submission:

Labcorp Genetics (formerly Invitae), Labcorp
Classification: Uncertain significance for MEGF8-related Carpenter syndrome. Last evaluated: 2024-10-08. Review status: criteria provided, single submitter. Criteria: Invitae Variant Classification Sherloc (09022015). Collection method: clinical testing. Allele origin: germline.
Comment: This sequence change replaces threonine, which is neutral and polar, with serine, which is neutral and polar, at codon 760 of the MEGF8 protein (p.Thr760Ser). This variant is not present in population databases (gnomAD no frequency). This variant has not been reported in the literature in individuals affected with MEGF8-related conditions. ClinVar contains an entry for this variant (Variation ID: 1446302). An algorithm developed to predict the effect of missense changes on protein structure and function (PolyPhen-2) suggests that this variant is likely to be tolerated. In summary, the available evidence is currently insufficient to determine the role of this variant in disease. Therefore, it has been classified as a Variant of Uncertain Significance.

NM_001271938.2(MEGF8):c.2480C>G (p.Thr827Ser)

Gene: MEGF8 (multiple EGF like domains 8; plus strand). Cytogenetic location: 19q13.2.
Variant type: single nucleotide variant.
Coding change: c.2480C>G on transcript NM_001271938.2 (MANE Select); coding-DNA position 2480, C replaced by G.
Protein change: p.Thr827Ser; replaces threonine 827 with serine.
Molecular consequence: missense variant.
Genome position (GRCh38, 1-based): chr19:42,349,680, C>G. VCF-style: chr19-42349680-C-G. GRCh37 (hg19) VCF-style: chr19-42853832-C-G.
Other names: c.2279C>G, p.Thr760Ser (NM_001410.3); short protein forms T760S, T827S.
Identifiers: ClinVar variation 1446302 (VCV001446302.6), dbSNP rs2147472784, ClinGen allele CA406096778.